The following is an entry in ClinVar:

NM_021930.6(RINT1):c.2342T>C (p.Leu781Pro)

Genes: EFCAB10 (EF-hand calcium binding domain 10; minus strand), RINT1 (RAD50 interactor 1; plus strand). Cytogenetic location: 7q22.3.
Variant type: single nucleotide variant.
Coding change: c.2342T>C on transcript NM_021930.6 (MANE Select); coding-DNA position 2342, T replaced by C.
Protein change: p.Leu781Pro; replaces leucine 781 with proline.
Molecular consequence: missense variant. On other transcripts: 3 prime UTR variant (2), non-coding transcript variant (1), intron variant (3).
Genome position (GRCh38, 1-based): chr7:105,567,274, T>C. VCF-style: chr7-105567274-T-C. GRCh37 (hg19) VCF-style: chr7-105207721-T-C.
Other names: c.*180A>G (NM_001355527.2, NM_001355529.2); c.2108T>C, p.Leu703Pro (NM_001346599.2); c.1319T>C, p.Leu440Pro (NM_001346600.2, NM_001346603.2); c.1418T>C, p.Leu473Pro (NM_001346601.2); c.360-1827A>G (NM_001355531.2); c.383+193A>G (NM_001355526.2, NM_001355530.2); short protein forms L473P, L440P, L781P, L703P.
Identifiers: ClinVar variation 3945985 (VCV003945985.1).

ClinVar aggregate classification (germline): Uncertain significance (1 of 4 stars; one submission).

Submission:

Ambry Genetics
Classification: Uncertain significance. Last evaluated: 2025-04-22. Review status: criteria provided, single submitter. Criteria: Ambry Variant Classification Scheme 2023. Collection method: clinical testing. Allele origin: germline.
Comment: The p.L781P variant (also known as c.2342T>C), located in coding exon 15 of the RINT1 gene, results from a T to C substitution at nucleotide position 2342. The leucine at codon 781 is replaced by proline, an amino acid with similar properties. This amino acid position is conserved. In addition, this alteration is predicted to be deleterious by in silico analysis. Based on the available evidence, the clinical significance of this variant remains unclear.